The following is an entry in ClinVar:

ClinVar aggregate classification (germline): Conflicting classifications of pathogenicity. Review status: criteria provided, conflicting classifications (1 of 4 stars). 5 submissions from 5 submitters: Uncertain significance (1); Likely benign (4). Last evaluated 2026-01-19.

Conditions:
Cardiovascular phenotype. Identifiers: MedGen CN230736.
ZNF469-related disorder. Also called: ZNF469-related condition.

Allele frequency attached by ClinVar (database versions not stated): ExAC 0.00010; gnomAD 0.00017; TOPMed 0.00020; 1000 Genomes Project 30x 0.00094; 1000 Genomes Project 0.00100.
gnomAD v4.1: 228 of 1,550,422 alleles (0.015%); highest among the groups gnomAD compares: East Asian, 0.54%; no homozygotes.

Submissions (5):

Labcorp Genetics (formerly Invitae), Labcorp
Classification: Likely benign. Last evaluated: 2026-01-19. Review status: criteria provided, single submitter. Criteria: Invitae Variant Classification Sherloc (09022015). Collection method: clinical testing. Allele origin: germline.

PreventionGenetics, part of Exact Sciences
Classification: Likely benign for ZNF469-related condition. Last evaluated: 2025-03-20. Review status: criteria provided, single submitter. Criteria: ACMG Guidelines, 2015. Collection method: clinical testing. Allele origin: germline.
Comment: This variant is classified as likely benign based on ACMG/AMP sequence variant interpretation guidelines (Richards et al. 2015 PMID: 25741868, with internal and published modifications).

Ambry Genetics
Classification: Likely benign for Cardiovascular phenotype. Last evaluated: 2025-02-23. Review status: criteria provided, single submitter. Criteria: Ambry Variant Classification Scheme 2023. Collection method: clinical testing. Allele origin: germline.

GeneDx
Classification: Uncertain significance. Last evaluated: 2024-08-28. Review status: criteria provided, single submitter. Criteria: GeneDx Variant Classification Process June 2021. Collection method: clinical testing. Allele origin: germline. Affected: yes.
Comment: In silico analysis indicates that this missense variant does not alter protein structure/function; Has not been previously published as pathogenic or benign to our knowledge

CeGaT Center for Human Genetics Tuebingen
Classification: Likely benign. Last evaluated: 2022-10-01. Review status: criteria provided, single submitter. Criteria: CeGaT Center For Human Genetics Tuebingen Variant Classification Criteria Version 2. Collection method: clinical testing. Allele origin: germline. Affected: yes. Observed: 1 variant allele.
Comment: ZNF469: BP4

NM_001367624.2(ZNF469):c.5306C>T (p.Pro1769Leu)

Gene: ZNF469 (zinc finger protein 469; plus strand). Cytogenetic location: 16q24.2.
Variant type: single nucleotide variant.
Coding change: c.5306C>T on transcript NM_001367624.2 (MANE Select); coding-DNA position 5306, C replaced by T.
Protein change: p.Pro1769Leu; replaces proline 1769 with leucine.
Molecular consequence: missense variant.
Genome position (GRCh38, 1-based): chr16:88,432,776, C>T. VCF-style: chr16-88432776-C-T. GRCh37 (hg19) VCF-style: chr16-88499184-C-T.
Other names: NM_001127464.1:c.5222C>T; NM_001127464.2:c.5222C>T; short protein forms P1769L.
Identifiers: ClinVar variation 1746165 (VCV001746165.38), dbSNP rs150543090, ClinGen allele CA8225065.